The following is an entry in ClinVar:

NM_000143.4(FH):c.624dup (p.Pro209fs)

Gene: FH (fumarate hydratase; minus strand). Cytogenetic location: 1q43.
Variant type: Duplication.
Coding change: c.624dup on transcript NM_000143.4 (MANE Select); coding-DNA position 624, one base duplicated (A; older notation c.624dupA).
Protein change: p.Pro209fs; shifts the reading frame from proline 209.
Molecular consequence: frameshift variant.
Genome position (GRCh38, 1-based): chr1:241,508,717, T duplicated on the plus strand (A on the coding strand, the reverse complement: FH is on the minus strand). VCF-style (leftmost placement, unchanged base first): chr1-241508716-G-GT. GRCh37 (hg19) VCF-style: chr1-241672016-G-GT.
Other names: short protein forms P209fs.
Identifiers: ClinVar variation 4730546 (VCV004730546.1).

ClinVar aggregate classification (germline): Pathogenic (1 of 4 stars; one submission).

Submission:

Labcorp Genetics (formerly Invitae), Labcorp
Classification: Pathogenic. Last evaluated: 2026-01-04. Review status: criteria provided, single submitter. Criteria: Invitae Variant Classification Sherloc (09022015). Collection method: clinical testing. Allele origin: germline.
Comment: This sequence change creates a premature translational stop signal (p.Pro209Thrfs*8) in the FH gene. It is expected to result in an absent or disrupted protein product. Loss-of-function variants in FH are known to be pathogenic (PMID: 11865300, 21398687). This variant is not present in population databases (gnomAD no frequency). This variant has not been reported in the literature in individuals affected with FH-related conditions. For these reasons, this variant has been classified as Pathogenic.

Literature cited by the submitters: PubMed 11865300; PubMed 21398687.